The following is an entry in ClinVar:

ClinVar aggregate classification (germline): Likely pathogenic (1 of 4 stars; one submission).

Conditions:
Hereditary cancer-predisposing syndrome. Also called: Hereditary Cancer Syndrome; Neoplastic Syndromes, Hereditary; Tumor predisposition; Hereditary neoplastic syndrome. Identifiers: Orphanet 140162, MedGen C0027672, MeSH D009386, MONDO:0015356.

Submission:

Ambry Genetics
Classification: Likely pathogenic for Hereditary cancer-predisposing syndrome. Last evaluated: 2021-02-21. Review status: criteria provided, single submitter. Criteria: Ambry Variant Classification Scheme 2023. Collection method: clinical testing. Allele origin: germline.
Comment: The c.521+1G>T intronic variant results from a G to T substitution one nucleotide after coding exon 5 of the FANCC gene. This nucleotide position is highly conserved in available vertebrate species. In silico splice site analysis predicts that this alteration will weaken the native splice donor site. Alterations that disrupt the canonical splice site are expected to cause aberrant splicing, resulting in an abnormal protein or a transcript that is subject to nonsense-mediated mRNA decay. As such, this alteration is classified as likely pathogenic.

NM_000136.3(FANCC):c.521+1G>T

Gene: FANCC (FA complementation group C; minus strand). Cytogenetic location: 9q22.32.
Variant type: single nucleotide variant.
Coding change: c.521+1G>T on transcript NM_000136.3 (MANE Select); the canonical splice donor site of the intron after coding-DNA position 521, G replaced by T.
Molecular consequence: splice donor variant.
Genome position (GRCh38, 1-based): chr9:95,171,078, C>A on the plus strand (G>T on the coding strand, the complement: FANCC is on the minus strand). VCF-style: chr9-95171078-C-A. GRCh37 (hg19) VCF-style: chr9-97933360-C-A.
Other names: c.521+1G>T (NM_001243743.2, NM_001243744.2).
Identifiers: ClinVar variation 1746108 (VCV001746108.2), dbSNP rs145394391, ClinGen allele CA374338536.